The following is an entry in ClinVar:

ClinVar aggregate classification (germline): Pathogenic (1 of 4 stars; one submission).

Submission:

Labcorp Genetics (formerly Invitae), Labcorp
Classification: Pathogenic. Last evaluated: 2022-02-10. Review status: criteria provided, single submitter. Criteria: Invitae Variant Classification Sherloc (09022015). Collection method: clinical testing. Allele origin: germline.
Comment: This variant is present in population databases (rs759973241, gnomAD 0.006%). This variant has not been reported in the literature in individuals affected with ANK3-related conditions. For these reasons, this variant has been classified as Pathogenic. This sequence change creates a premature translational stop signal (p.Ser32Profs*15) in the ANK3 gene. It is expected to result in an absent or disrupted protein product. Loss-of-function variants in ANK3 are known to be pathogenic (PMID: 23390136, 29302074).

Literature cited by the submitters: PubMed 23390136; PubMed 29302074.

NM_020987.5(ANK3):c.93del (p.Ser32fs)

Gene: ANK3 (ankyrin 3; minus strand). Cytogenetic location: 10q21.2.
Variant type: Deletion.
Coding change: c.93del on transcript NM_020987.5 (MANE Select); coding-DNA position 93, one base deleted (G; older notation c.93delG).
Protein change: p.Ser32fs; shifts the reading frame from serine 32.
Molecular consequence: frameshift variant. On other transcripts: intron variant (2).
Genome position (GRCh38, 1-based): chr10:60,389,446, C deleted on the plus strand (G on the coding strand, the reverse complement: ANK3 is on the minus strand); the first of 2 consecutive C bases (chr10:60,389,446-60,389,447); deleting either gives the same sequence. VCF-style (leftmost placement, unchanged base first): chr10-60389445-AC-A. GRCh37 (hg19) VCF-style: chr10-62149203-AC-A.
Other names: c.93del, p.Ser32fs (NM_001320874.2); c.97-109807del (NM_001204403.2); c.64-109807del (NM_001204404.2); short protein forms S32fs.
Identifiers: ClinVar variation 1455955 (VCV001455955.6), dbSNP rs759973241, ClinGen allele CA5513549.